The following is an entry in ClinVar:

ClinVar aggregate classification (germline): Likely pathogenic (1 of 4 stars; one submission).

Conditions:
Fanconi anemia complementation group I (FANCI). Also called: FANCI-Related Fanconi Anemia. Identifiers: Orphanet 84, MedGen C1836861, MONDO:0012186, OMIM 609053.

Submission:

First Genomix Gene Laboratory, Genetic Diagnostics Department
Classification: Likely pathogenic for Fanconi anemia complementation group I. Last evaluated: 2025-05-30. Review status: criteria provided, single submitter. Criteria: ACMG Guidelines, 2015. Collection method: clinical testing. Allele origin: germline. Inheritance: Autosomal recessive inheritance. Affected: no. Observed: 1 variant allele.

NM_001113378.2(FANCI):c.3360_3361del (p.Gln1122fs)

Gene: FANCI (FA complementation group I; plus strand). Cytogenetic location: 15q26.1.
Variant type: Deletion.
Coding change: c.3360_3361del on transcript NM_001113378.2 (MANE Select); coding-DNA positions 3360 to 3361, 2 bases deleted (TT; older notation c.3360_3361delTT).
Protein change: p.Gln1122fs; shifts the reading frame from glutamine 1122.
Molecular consequence: frameshift variant.
Genome position (GRCh38, 1-based): chr15:89,306,017-89,306,018, TT deleted. VCF-style (leftmost placement, unchanged base first): chr15-89306016-CTT-C. GRCh37 (hg19) VCF-style: chr15-89849247-CTT-C.
Other names: c.3180_3181del, p.Gln1062fs (NM_018193.3); c.3081_3082del, p.Gln1029fs (NM_001376910.1); c.3360_3361del, p.Gln1122fs (NM_001376911.1); c.3360_3361delTT (NM_001113378.2); short protein forms Q1029fs, Q1062fs, Q1122fs.
Identifiers: ClinVar variation 4849408 (VCV004849408.1).